The following is an entry in ClinVar:

NM_000528.4(MAN2B1):c.1230G>C (p.Gln410His)

Gene: MAN2B1 (mannosidase alpha class 2B member 1; minus strand). Cytogenetic location: 19p13.13.
Variant type: single nucleotide variant.
Coding change: c.1230G>C on transcript NM_000528.4 (MANE Select); coding-DNA position 1230, G replaced by C.
Protein change: p.Gln410His; replaces glutamine 410 with histidine.
Molecular consequence: missense variant.
Genome position (GRCh38, 1-based): chr19:12,658,224, C>G on the plus strand (G>C on the coding strand, the complement: MAN2B1 is on the minus strand). VCF-style: chr19-12658224-C-G. GRCh37 (hg19) VCF-style: chr19-12769038-C-G.
Other names: c.1227G>C, p.Gln409His (NM_001173498.2); short protein forms Q410H, Q409H.
Identifiers: ClinVar variation 432466 (VCV000432466.7), dbSNP rs563097824, ClinGen allele CA9226544.

ClinVar aggregate classification (germline): Uncertain significance. Review status: criteria provided, multiple submitters, no conflicts (2 of 4 stars). 3 submissions from 3 submitters: Uncertain significance (2). 1 of the submissions does not count toward it. Last evaluated 2024-05-20.

Conditions:
Deficiency of alpha-mannosidase (MANSA). Also called: LYSOSOMAL ALPHA-D-MANNOSIDASE DEFICIENCY; Alpha-Mannosidosis; Mannosidosis, alpha-, types I and II. Identifiers: Orphanet 61, MedGen C0024748, MONDO:0009561, OMIM 248500.

Allele frequency attached by ClinVar (database versions not stated): gnomAD 0.00001; gnomAD exomes 0.00002.
gnomAD v4.1: 37 of 1,614,040 alleles (0.0023%); highest among the groups gnomAD compares: South Asian, 0.019%; no homozygotes.

Submissions (3):

Labcorp Genetics (formerly Invitae), Labcorp
Classification: Uncertain significance for Deficiency of alpha-mannosidase. Last evaluated: 2024-05-20. Review status: criteria provided, single submitter. Criteria: Invitae Variant Classification Sherloc (09022015). Collection method: clinical testing. Allele origin: germline.
Comment: This sequence change affects codon 410 of the MAN2B1 mRNA. It is a 'silent' change, meaning that it does not change the encoded amino acid sequence of the MAN2B1 protein. This variant also falls at the last nucleotide of exon 9, which is part of the consensus splice site for this exon. This variant is present in population databases (rs563097824, gnomAD 0.04%). This variant has not been reported in the literature in individuals affected with MAN2B1-related conditions. ClinVar contains an entry for this variant (Variation ID: 432466). An algorithm developed to predict the effect of missense changes on protein structure and function (PolyPhen-2) suggests that this variant is likely to be disruptive. Variants that disrupt the consensus splice site are a relatively common cause of aberrant splicing (PMID: 17576681, 9536098). Algorithms developed to predict the effect of sequence changes on RNA splicing suggest that this variant may disrupt the consensus splice site. In summary, the available evidence is currently insufficient to determine the role of this variant in disease. Therefore, it has been classified as a Variant of Uncertain Significance.

GeneDx
Classification: Uncertain significance. Last evaluated: 2017-06-12. Review status: criteria provided, single submitter. Criteria: GeneDx Variant Classification (06012015). Collection method: clinical testing. Allele origin: germline. Affected: yes.
Comment: The c.1230 G>C variant in the MAN2B1 gene has not been reported previously as a pathogenic variant, nor as a benign variant, to our knowledge. This variant is observed in 5/16,492 alleles (0.03%) from individuals of South Asian background in the ExAC dataset, with no homozygous control individuals reported (Lek et al., 2016). Splice models predict that c.1230 G>C destroys the natural splice door site of exon 9. However, in the absence of RNA/functional studies, the actual effect of the c.1230 G>C change in this individual is unknown. If c.1230 G>C does not alter splicing, it will result in the Q410H missense change. The Q410H variant is a semi-conservative amino acid substitution, which may impact secondary protein structure as these residues differ in some properties. This substitution occurs at a position that is conserved across species, and in silico analysis predicts this variant is probably damaging to the protein structure/function. We interpret c.1230 G>C as a variant of uncertain significance.

Natera, Inc.
Classification: Uncertain significance for Alpha-mannosidosis. Last evaluated: 2020-01-24. Review status: no assertion criteria provided. Collection method: clinical testing. Allele origin: germline. Not counted in ClinVar's aggregate classification.

Literature cited by the submitters: PubMed 17576681 (cited by Labcorp Genetics (formerly Invitae), Labcorp); PubMed 9536098 (cited by Labcorp Genetics (formerly Invitae), Labcorp).